The following is an entry in ClinVar:

NM_000444.6(PHEX):c.1928dup (p.Asn643fs)

Genes: PHEX (phosphate regulating endopeptidase X-linked; plus strand), PTCHD1-AS (PTCHD1 and PHEX antisense RNA; minus strand). Cytogenetic location: Xp22.11.
Variant type: Duplication.
Coding change: c.1928dup on transcript NM_000444.6 (MANE Select); coding-DNA position 1928, one base duplicated (A; older notation c.1928dupA).
Protein change: p.Asn643fs; shifts the reading frame from asparagine 643.
Molecular consequence: frameshift variant.
Genome position (GRCh38, 1-based): chrX:22,226,471, A duplicated; the last of 4 consecutive A bases (chrX:22,226,468-22,226,471); duplicating any one gives the same sequence. VCF-style (leftmost placement, unchanged base first): chrX-22226467-G-GA. GRCh37 (hg19) VCF-style: chrX-22244584-G-GA.
Other names: c.1928dup, p.Asn643fs (NM_001282754.2); short protein forms N643fs.
Identifiers: ClinVar variation 2853990 (VCV002853990.3), dbSNP rs2518674723, ClinGen allele CA2739268116.
Genomic context (GRCh38, chrX:22,226,467, plus strand): 5'-ATTCATTTTTTTTTTTTCCTTTTTTCTTTCTGTTAGGTCAAGGGGAAGAGGACCCTGGGA[G>GA]AAAATATTGCTGATAATGGAGGCCTGCGGGAAGCTTTTAGGGTATGCGCTGCTACATTTA-3'

ClinVar aggregate classification (germline): Pathogenic (1 of 4 stars; one submission).

Submission:

Labcorp Genetics (formerly Invitae), Labcorp
Classification: Pathogenic. Last evaluated: 2023-04-09. Review status: criteria provided, single submitter. Criteria: Invitae Variant Classification Sherloc (09022015). Collection method: clinical testing. Allele origin: germline.
Comment: For these reasons, this variant has been classified as Pathogenic. This variant has not been reported in the literature in individuals affected with PHEX-related conditions. This variant is not present in population databases (gnomAD no frequency). This sequence change creates a premature translational stop signal (p.Asn643Lysfs*4) in the PHEX gene. It is expected to result in an absent or disrupted protein product. Loss-of-function variants in PHEX are known to be pathogenic (PMID: 9097956, 9106524, 19219621).

Literature cited by the submitters: PubMed 9097956; PubMed 9106524; PubMed 19219621.